The following is an entry in ClinVar:

ClinVar aggregate classification (somatic clinical impact): Tier II - Potential (1 of 4 stars; one submission).
ClinVar aggregate classification (oncogenicity): Oncogenic (1 of 4 stars; one submission).

Conditions:
Medulloblastoma (MDB). Also called: Medulloblastoma, somatic; MEDULLOBLASTOMA PREDISPOSITION SYNDROME. Identifiers: Orphanet 616, MedGen C0025149, MeSH D008527, MONDO:0007959, OMIM 155255, HP:0002885.
Neoplasm. Also called: tumor; Neoplasms; Neoplasm (disease). Identifiers: MedGen C0027651, MeSH D009369, MONDO:0005070, HP:0002664.

Submissions (2):

Institute for Genomic Medicine (IGM) Clinical Laboratory, Nationwide Children's Hospital
Classification: Tier II - Potential for Medulloblastoma. Assertion type: diagnostic. Clinical significance: supports diagnosis. Last evaluated: 2025-10-29. Review status: criteria provided, single submitter. Criteria: AMP/ASCO/CAP Guidelines, 2017. Collection method: clinical testing. Allele origin: somatic. Affected: yes.
Comment: Variant has Tier II (potential) clinical significance as a diagnostic inclusion criterion in medulloblastoma, based on the following evidence: 1) Documented in one or more cancer databases (e.g., St. Jude Pecan, COSMIC, CIViC, OncoKB). 2) Information in the literature supports potential biologic effect of variant (PMIDs: 23559371, 25274033, 24508459). 3) Assists in diagnosis alone or along with other biomarkers based on small studies or few case reports (Evidence Level D; PMID: 31495053).

Center for Genomic Medicine, Rigshospitalet, Copenhagen University Hospital
Classification: Oncogenic for Neoplasm. Last evaluated: 2025-03-04. Review status: criteria provided, single submitter. Criteria: ClinGen/CGC/VICC Guidelines for Oncogenicity, 2022. Collection method: clinical testing. Allele origin: somatic. Affected: yes.

Literature cited by the submitters: PubMed 23559371 (cited by Institute for Genomic Medicine (IGM) Clinical Laboratory, Nationwide Children's Hospital); PubMed 25274033 (cited by Institute for Genomic Medicine (IGM) Clinical Laboratory, Nationwide Children's Hospital); PubMed 24508459 (cited by Institute for Genomic Medicine (IGM) Clinical Laboratory, Nationwide Children's Hospital and Center for Genomic Medicine, Rigshospitalet, Copenhagen University Hospital); PubMed 31495053 (cited by Institute for Genomic Medicine (IGM) Clinical Laboratory, Nationwide Children's Hospital); PubMed 26344095 (cited by Center for Genomic Medicine, Rigshospitalet, Copenhagen University Hospital); PubMed 28599312 (cited by Center for Genomic Medicine, Rigshospitalet, Copenhagen University Hospital); PubMed 2888 (cited by Center for Genomic Medicine, Rigshospitalet, Copenhagen University Hospital); PubMed 28805821 (cited by Center for Genomic Medicine, Rigshospitalet, Copenhagen University Hospital); PubMed 34987184 (cited by Center for Genomic Medicine, Rigshospitalet, Copenhagen University Hospital).

NM_001007228.2(SPOP):c.260A>G (p.Tyr87Cys)

Gene: SPOP (speckle type BTB/POZ protein; minus strand). Cytogenetic location: 17q21.33.
Variant type: single nucleotide variant.
Coding change: c.260A>G on transcript NM_001007228.2 (MANE Select); coding-DNA position 260, A replaced by G.
Protein change: p.Tyr87Cys; replaces tyrosine 87 with cysteine.
Molecular consequence: missense variant.
Genome position (GRCh38, 1-based): chr17:49,619,326, T>C on the plus strand (A>G on the coding strand, the complement: SPOP is on the minus strand). VCF-style: chr17-49619326-T-C. GRCh37 (hg19) VCF-style: chr17-47696688-T-C.
Other names: c.260A>G, p.Tyr87Cys (NM_001007226.1, NM_001007227.1, NM_001007229.1 and 5 more transcripts); short protein forms Y87C.
Identifiers: ClinVar variation 3764966 (VCV003764966.2), dbSNP rs1057519971.
Genomic context (GRCh38, chr17:49,619,326, plus strand): 5'-AGGATGGAGAATTTGAATTTTGCCCGAACTTCACTCTTTGGACAGCTGACCAGTAACAGG[T>C]AAAGTGACAGGTAATCTTTGCTTTCTTCATCTAACCCTTTGGGGTTTACTCGCAAACACC-3'
Protein context (NP_001007229.1, residues 77-97): DEESKDYLSL[Tyr87Cys]LLLVSCPKSE